The following is an entry in ClinVar:

ClinVar aggregate classification (germline): Uncertain significance (1 of 4 stars; one submission).

Conditions:
Hereditary cancer-predisposing syndrome. Also called: Tumor predisposition; Neoplastic Syndromes, Hereditary; Hereditary Cancer Syndrome; Hereditary neoplastic syndrome. Identifiers: Orphanet 140162, MedGen C0027672, MeSH D009386, MONDO:0015356.

Submission:

Ambry Genetics
Classification: Uncertain significance for Hereditary cancer-predisposing syndrome. Last evaluated: 2021-10-08. Review status: criteria provided, single submitter. Criteria: Ambry Variant Classification Scheme 2023. Collection method: clinical testing. Allele origin: germline.
Comment: The p.V378F variant (also known as c.1132G>T), located in coding exon 7 of the MSH3 gene, results from a G to T substitution at nucleotide position 1132. The valine at codon 378 is replaced by phenylalanine, an amino acid with highly similar properties. This amino acid position is conserved. In addition, this alteration is predicted to be tolerated by in silico analysis. Since supporting evidence is limited at this time, the clinical significance of this alteration remains unclear.

NM_002439.5(MSH3):c.1132G>T (p.Val378Phe)

Gene: MSH3 (mutS homolog 3; plus strand). Cytogenetic location: 5q14.1.
Variant type: single nucleotide variant.
Coding change: c.1132G>T on transcript NM_002439.5 (MANE Select); coding-DNA position 1132, G replaced by T.
Protein change: p.Val378Phe; replaces valine 378 with phenylalanine.
Molecular consequence: missense variant.
Genome position (GRCh38, 1-based): chr5:80,675,087, G>T. VCF-style: chr5-80675087-G-T. GRCh37 (hg19) VCF-style: chr5-79970906-G-T.
Other names: short protein forms V378F.
Identifiers: ClinVar variation 1728900 (VCV001728900.2), dbSNP rs1393216795, ClinGen allele CA360268219.